The following is an entry in ClinVar:

ClinVar aggregate classification (germline): Uncertain significance. Review status: criteria provided, multiple submitters, no conflicts (2 of 4 stars). 3 submissions from 3 submitters: Uncertain significance (3). Last evaluated 2025-01-24.

Conditions:
Inborn genetic diseases. Identifiers: MedGen C0950123, MeSH D030342.
Werner syndrome (WRN). Identifiers: Orphanet 902, MedGen C0043119, MONDO:0010196, OMIM 277700.

Allele frequency attached by ClinVar (database versions not stated): gnomAD exomes below 0.00001; TOPMed 0.00002; gnomAD 0.00003.
gnomAD v4.1: 8 of 1,613,928 alleles (0.0005%); highest among the groups gnomAD compares: African/African-American, 0.008%; no homozygotes.

Submissions (3):

Ambry Genetics
Classification: Uncertain significance for Inborn genetic diseases. Last evaluated: 2025-01-24. Review status: criteria provided, single submitter. Criteria: Ambry Variant Classification Scheme 2023. Collection method: clinical testing. Allele origin: germline.

Labcorp Genetics (formerly Invitae), Labcorp
Classification: Uncertain significance for Werner syndrome. Last evaluated: 2022-07-19. Review status: criteria provided, single submitter. Criteria: Invitae Variant Classification Sherloc (09022015). Collection method: clinical testing. Allele origin: germline.
Comment: This sequence change replaces asparagine, which is neutral and polar, with serine, which is neutral and polar, at codon 1326 of the WRN protein (p.Asn1326Ser). This variant is present in population databases (no rsID available, gnomAD 0.004%). This variant has not been reported in the literature in individuals affected with WRN-related conditions. ClinVar contains an entry for this variant (Variation ID: 854404). Algorithms developed to predict the effect of missense changes on protein structure and function output the following: SIFT: "Not Available"; PolyPhen-2: "Possibly Damaging"; Align-GVGD: "Not Available". The serine amino acid residue is found in multiple mammalian species, which suggests that this missense change does not adversely affect protein function. Algorithms developed to predict the effect of sequence changes on RNA splicing suggest that this variant may create or strengthen a splice site. In summary, the available evidence is currently insufficient to determine the role of this variant in disease. Therefore, it has been classified as a Variant of Uncertain Significance.

GeneDx
Classification: Uncertain significance. Last evaluated: 2022-07-15. Review status: criteria provided, single submitter. Criteria: GeneDx Variant Classification Process June 2021. Collection method: clinical testing. Allele origin: germline. Affected: yes.
Comment: In silico analysis supports that this missense variant does not alter protein structure/function; Has not been previously published as pathogenic or benign to our knowledge

NM_000553.6(WRN):c.3977A>G (p.Asn1326Ser)

Gene: WRN (WRN RecQ like helicase; plus strand). Cytogenetic location: 8p12.
Variant type: single nucleotide variant.
Coding change: c.3977A>G on transcript NM_000553.6 (MANE Select); coding-DNA position 3977, A replaced by G.
Protein change: p.Asn1326Ser; replaces asparagine 1326 with serine.
Molecular consequence: missense variant.
Genome position (GRCh38, 1-based): chr8:31,157,525, A>G. VCF-style: chr8-31157525-A-G. GRCh37 (hg19) VCF-style: chr8-31015041-A-G.
Other names: short protein forms N1326S.
Identifiers: ClinVar variation 854404 (VCV000854404.6), dbSNP rs1304095043, ClinGen allele CA370929729.